The following is an entry in ClinVar:

ClinVar aggregate classification (germline): Uncertain significance (1 of 4 stars; one submission).

Submission:

Labcorp Genetics (formerly Invitae), Labcorp
Classification: Uncertain significance. Last evaluated: 2025-03-30. Review status: criteria provided, single submitter. Criteria: Invitae Variant Classification Sherloc (09022015). Collection method: clinical testing. Allele origin: germline.
Comment: This sequence change replaces glutamic acid, which is acidic and polar, with lysine, which is basic and polar, at codon 38 of the MAP3K8 protein (p.Glu38Lys). This variant is not present in population databases (gnomAD no frequency). This variant has not been reported in the literature in individuals affected with MAP3K8-related conditions. An algorithm developed to predict the effect of missense changes on protein structure and function (PolyPhen-2) suggests that this variant is likely to be tolerated. In summary, the available evidence is currently insufficient to determine the role of this variant in disease. Therefore, it has been classified as a Variant of Uncertain Significance.

NM_005204.4(MAP3K8):c.112G>A (p.Glu38Lys)

Gene: MAP3K8 (mitogen-activated protein kinase kinase kinase 8; plus strand). Cytogenetic location: 10p11.23.
Variant type: single nucleotide variant.
Coding change: c.112G>A on transcript NM_005204.4 (MANE Select); coding-DNA position 112, G replaced by A.
Protein change: p.Glu38Lys; replaces glutamic acid 38 with lysine.
Molecular consequence: missense variant.
Genome position (GRCh38, 1-based): chr10:30,439,050, G>A. VCF-style: chr10-30439050-G-A. GRCh37 (hg19) VCF-style: chr10-30727979-G-A.
Other names: c.112G>A, p.Glu38Lys (NM_001244134.1, NM_001320961.2); short protein forms E38K.
Identifiers: ClinVar variation 4716287 (VCV004716287.1).